The following is an entry in ClinVar:

NM_001164665.2(KIAA1549):c.427G>A (p.Val143Met)

Gene: KIAA1549 (KIAA1549; minus strand). Cytogenetic location: 7q34.
Variant type: single nucleotide variant.
Coding change: c.427G>A on transcript NM_001164665.2 (MANE Select); coding-DNA position 427, G replaced by A.
Protein change: p.Val143Met; replaces valine 143 with methionine.
Molecular consequence: missense variant.
Genome position (GRCh38, 1-based): chr7:138,919,199, C>T on the plus strand (G>A on the coding strand, the complement: KIAA1549 is on the minus strand). VCF-style: chr7-138919199-C-T. GRCh37 (hg19) VCF-style: chr7-138603945-C-T.
Other names: c.427G>A, p.Val143Met (NM_020910.3); short protein forms V143M.
Identifiers: ClinVar variation 1959701 (VCV001959701.5), dbSNP rs1038347765, ClinGen allele CA369403092.

ClinVar aggregate classification (germline): Uncertain significance (1 of 4 stars; one submission).

Allele frequency attached by ClinVar (database versions not stated): gnomAD 0.00001.
gnomAD v4.1: 7 of 1,613,828 alleles (0.00043%); highest among the groups gnomAD compares: Non-Finnish European, 0.00059%; no homozygotes.

Submission:

Labcorp Genetics (formerly Invitae), Labcorp
Classification: Uncertain significance. Last evaluated: 2022-06-27. Review status: criteria provided, single submitter. Criteria: Invitae Variant Classification Sherloc (09022015). Collection method: clinical testing. Allele origin: germline.
Comment: In summary, the available evidence is currently insufficient to determine the role of this variant in disease. Therefore, it has been classified as a Variant of Uncertain Significance. Algorithms developed to predict the effect of missense changes on protein structure and function output the following: SIFT: "Tolerated"; PolyPhen-2: "Benign"; Align-GVGD: "Class C0". The methionine amino acid residue is found in multiple mammalian species, which suggests that this missense change does not adversely affect protein function. This variant has not been reported in the literature in individuals affected with KIAA1549-related conditions. This variant is present in population databases (no rsID available, gnomAD 0.006%). This sequence change replaces valine, which is neutral and non-polar, with methionine, which is neutral and non-polar, at codon 143 of the KIAA1549 protein (p.Val143Met).